The following is an entry in ClinVar:

NM_000414.4(HSD17B4):c.1574-2A>T

Gene: HSD17B4 (hydroxysteroid 17-beta dehydrogenase 4; plus strand). Cytogenetic location: 5q23.1.
Variant type: single nucleotide variant.
Coding change: c.1574-2A>T on transcript NM_000414.4 (MANE Select); the canonical splice acceptor site of the intron before coding-DNA position 1574, A replaced by T.
Molecular consequence: splice acceptor variant.
Genome position (GRCh38, 1-based): chr5:119,525,915, A>T. VCF-style: chr5-119525915-A-T. GRCh37 (hg19) VCF-style: chr5-118861610-A-T.
Other names: c.1163-2A>T (NM_001374503.1, NM_001374502.1, NM_001374501.1); c.1649-2A>T (NM_001199291.3); c.1247-2A>T (NM_001374499.1); c.1133-2A>T (NM_001374500.1); c.1154-2A>T (NM_001292028.2); c.1502-2A>T (NM_001292027.2, NM_001374498.1); c.1565-2A>T (NM_001374497.1); c.1520-2A>T (NM_001199292.2).
Identifiers: ClinVar variation 4818343 (VCV004818343.1).

ClinVar aggregate classification (germline): Likely pathogenic (1 of 4 stars; one submission).

Conditions:
Bifunctional peroxisomal enzyme deficiency (DBIF). Also called: DBP DEFICIENCY; PBFE DEFICIENCY; D-bifunctional protein deficiency. Identifiers: Orphanet 300, MedGen C0342870, MONDO:0009855, OMIM 261515. Disease mechanism: loss of function.

Submission:

Natera, Inc.
Classification: Likely pathogenic for Bifunctional peroxisomal enzyme deficiency. Last evaluated: 2024-09-27. Review status: criteria provided, single submitter. Criteria: Natera Variant Classification Schema (03/2026). Collection method: clinical testing. Allele origin: germline.
Comment: The c.1574-2A>T variant in HSD17B4 is a canonical splice acceptor site variant predicted to affect pre-mRNA splicing, which may result in an abnormal transcript and altered protein product. This variant is expected to result in nonsense mediated decay, truncation, or a dysfunctional protein product. This variant is rare in the general population with a frequency below the threshold expected for the associated phenotype(s). Given the available evidence, this variant is classified as Likely Pathogenic.